The following is an entry in ClinVar:

NM_024649.5(BBS1):c.606C>T (p.Thr202=)

Gene: BBS1 (Bardet-Biedl syndrome 1; plus strand). Cytogenetic location: 11q13.2.
Variant type: single nucleotide variant.
Coding change: c.606C>T on transcript NM_024649.5 (MANE Select); coding-DNA position 606, C replaced by T.
Protein change: p.Thr202=; no amino-acid change (threonine 202 retained).
Molecular consequence: synonymous variant.
Genome position (GRCh38, 1-based): chr11:66,519,631, C>T. VCF-style: chr11-66519631-C-T. GRCh37 (hg19) VCF-style: chr11-66287102-C-T.
Other names: c.606C>T (NM_024649.4).
Identifiers: ClinVar variation 1605520 (VCV001605520.10), dbSNP rs372141621, ClinGen allele CA6123432.
Genomic context (GRCh38, chr11:66,519,631, plus strand): 5'-GTGGTGTGTGGAGGTTCCCTGGGTGACCCCTGGAGTCCTTCTGTAGACAGTCATCACCAC[C>T]ATGACCACCTTGAAGAAGAACCTGGCTGACGAGGATGCTGTGTCTTGCCTGGTGCTGGGC-3'
Protein context (NP_078925.3, residues 192-212): NSIKRQTVIT[Thr202=]MTTLKKNLAD

ClinVar aggregate classification (germline): Likely benign. Review status: criteria provided, multiple submitters, no conflicts (2 of 4 stars). 3 submissions from 3 submitters: Likely benign (3). Last evaluated 2025-12-26.

Conditions:
BBS1-related disorder. Also called: BBS1-related condition.
Bardet-Biedl syndrome 1 (BBS1). Identifiers: MedGen C2936862, MONDO:0008854, OMIM 209900. Disease mechanism: loss of function.
Bardet-Biedl syndrome (BBS). Identifiers: Orphanet 110, MedGen C0752166, MONDO:0015229.

Allele frequency attached by ClinVar (database versions not stated): gnomAD exomes below 0.00001; ExAC 0.00001; TOPMed 0.00001; gnomAD 0.00002; ESP Exome Variant Server 0.00008.
gnomAD v4.1: 8 of 1,613,772 alleles (0.0005%); highest among the groups gnomAD compares: African/African-American, 0.0027%; no homozygotes.

Submissions (3):

PreventionGenetics, part of Exact Sciences
Classification: Likely benign for BBS1-related condition. Last evaluated: 2025-12-26. Review status: criteria provided, single submitter. Criteria: ACMG Guidelines, 2015. Collection method: clinical testing. Allele origin: germline.
Comment: This variant is classified as likely benign based on ACMG/AMP sequence variant interpretation guidelines (Richards et al. 2015 PMID: 25741868, with internal and published modifications).

Labcorp Genetics (formerly Invitae), Labcorp
Classification: Likely benign for Bardet-Biedl syndrome. Last evaluated: 2024-04-06. Review status: criteria provided, single submitter. Criteria: Invitae Variant Classification Sherloc (09022015). Collection method: clinical testing. Allele origin: germline.

Fulgent Genetics
Classification: Likely benign for Bardet-Biedl syndrome 1. Last evaluated: 2022-05-18. Review status: criteria provided, single submitter. Criteria: ACMG Guidelines, 2015. Collection method: clinical testing. Allele origin: unknown.